The following is an entry in ClinVar:

ClinVar aggregate classification (germline): Conflicting classifications of pathogenicity. Review status: criteria provided, conflicting classifications (1 of 4 stars). 9 submissions from 9 submitters: Uncertain significance (1); Likely benign (7). 1 of the submissions does not count toward it. Last evaluated 2026-01-01.

Conditions:
ANKRD11-related disorder. Also called: ANKRD11-related condition.
Inborn genetic diseases. Identifiers: MedGen C0950123, MeSH D030342.
KBG syndrome (KBGS). Also called: ANKRD11-Related KBG Syndrome. Identifiers: Orphanet 2332, MedGen C0220687, MONDO:0007846, OMIM 148050.

Allele frequency attached by ClinVar (database versions not stated): ESP Exome Variant Server 0.00015; 1000 Genomes Project 30x 0.00016; 1000 Genomes Project 0.00020; gnomAD exomes 0.00023; ExAC 0.00026; TOPMed 0.00029; gnomAD 0.00033 and 0.00034.
gnomAD v4.1: 639 of 1,614,182 alleles (0.04%); highest among the groups gnomAD compares: Non-Finnish European, 0.048%; no homozygotes.

Submissions (9):

Labcorp Genetics (formerly Invitae), Labcorp
Classification: Likely benign for KBG syndrome. Last evaluated: 2026-01-01. Review status: criteria provided, single submitter. Criteria: Invitae Variant Classification Sherloc (09022015). Collection method: clinical testing. Allele origin: germline.

Athena Diagnostics
Classification: Likely benign. Last evaluated: 2024-12-27. Review status: criteria provided, single submitter. Criteria: Athena Diagnostics Criteria. Collection method: clinical testing. Allele origin: unknown.
Comment: The frequency of this variant in the general population is higher than would generally be expected for pathogenic variants in this gene. Computational tools predict this amino acid change may be benign.

Ambry Genetics
Classification: Likely benign for Inborn genetic diseases. Last evaluated: 2024-12-04. Review status: criteria provided, single submitter. Criteria: Ambry Variant Classification Scheme 2023. Collection method: clinical testing. Allele origin: germline.

Blueprint Genetics
Classification: Likely benign. Last evaluated: 2024-11-25. Review status: criteria provided, single submitter. Criteria: ACMG Guidelines, 2015. Collection method: clinical testing. Allele origin: germline.

GeneDx
Classification: Likely benign. Last evaluated: 2024-05-07. Review status: criteria provided, single submitter. Criteria: GeneDx Variant Classification Process June 2021. Collection method: clinical testing. Allele origin: germline. Affected: yes.
Comment: See Variant Classification Assertion Criteria.

ARUP Laboratories, Molecular Genetics and Genomics, ARUP Laboratories
Classification: Likely benign for KBG syndrome. Last evaluated: 2024-04-08. Review status: criteria provided, single submitter. Criteria: ARUP Molecular Germline Variant Investigation Process 2024. Collection method: clinical testing. Allele origin: germline.

CeGaT Center for Human Genetics Tuebingen
Classification: Likely benign. Last evaluated: 2023-07-01. Review status: criteria provided, single submitter. Criteria: CeGaT Center For Human Genetics Tuebingen Variant Classification Criteria Version 2. Collection method: clinical testing. Allele origin: germline. Affected: yes. Observed: 2 variant alleles.
Comment: ANKRD11: BP4, BS1

Eurofins Ntd Llc (ga)
Classification: Uncertain significance. Last evaluated: 2015-11-11. Review status: criteria provided, single submitter. Criteria: EGL Classification Definitions 2015. Collection method: clinical testing. Allele origin: germline.

PreventionGenetics, part of Exact Sciences
Classification: Likely benign for ANKRD11-related condition. Last evaluated: 2023-01-31. Review status: no assertion criteria provided. Collection method: clinical testing. Allele origin: germline. Not counted in ClinVar's aggregate classification.
Comment: This variant is classified as likely benign based on ACMG/AMP sequence variant interpretation guidelines (Richards et al. 2015 PMID: 25741868, with internal and published modifications).

Literature cited by the submitters: PubMed 35970914 (cited by Athena Diagnostics); PubMed 24828792 (cited by Athena Diagnostics).

NM_013275.6(ANKRD11):c.1133A>G (p.Asn378Ser)

Gene: ANKRD11 (ankyrin repeat domain 11; minus strand). Cytogenetic location: 16q24.3.
Variant type: single nucleotide variant.
Coding change: c.1133A>G on transcript NM_013275.6 (MANE Select); coding-DNA position 1133, A replaced by G.
Protein change: p.Asn378Ser; replaces asparagine 378 with serine.
Molecular consequence: missense variant.
Genome position (GRCh38, 1-based): chr16:89,285,409, T>C on the plus strand (A>G on the coding strand, the complement: ANKRD11 is on the minus strand). VCF-style: chr16-89285409-T-C. GRCh37 (hg19) VCF-style: chr16-89351817-T-C.
Other names: c.1133A>G (NM_013275.5, NM_013275.4, NM_001256182.1); c.1133A>G, p.Asn378Ser (NM_001256182.2, NM_001256183.2); short protein forms N378S.
Identifiers: ClinVar variation 281917 (VCV000281917.43), dbSNP rs202203523, ClinGen allele CA8242852.